The following is an entry in ClinVar:

NM_000264.5(PTCH1):c.2879G>C (p.Arg960Thr)

Gene: PTCH1 (patched 1; minus strand). Cytogenetic location: 9q22.32.
Variant type: single nucleotide variant.
Coding change: c.2879G>C on transcript NM_000264.5 (MANE Select); coding-DNA position 2879, G replaced by C.
Protein change: p.Arg960Thr; replaces arginine 960 with threonine.
Molecular consequence: missense variant. On other transcripts: non-coding transcript variant (1).
Genome position (GRCh38, 1-based): chr9:95,459,608, C>G on the plus strand (G>C on the coding strand, the complement: PTCH1 is on the minus strand). VCF-style: chr9-95459608-C-G. GRCh37 (hg19) VCF-style: chr9-98221890-C-G.
Other names: c.2681G>C, p.Arg894Thr (NM_001083602.3); c.2876G>C, p.Arg959Thr (NM_001083603.3); c.2426G>C, p.Arg809Thr (NM_001083604.3, NM_001083605.3, NM_001083606.3 and 1 more transcripts); c.2723G>C, p.Arg908Thr (NM_001354918.2); short protein forms R809T, R894T, R908T, R959T, R960T.
Identifiers: ClinVar variation 1797139 (VCV001797139.6), dbSNP rs1839274290, ClinGen allele CA374112882.

ClinVar aggregate classification (germline): Uncertain significance. Review status: criteria provided, multiple submitters, no conflicts (2 of 4 stars). 2 submissions from 2 submitters: Uncertain significance (2). Last evaluated 2025-07-10.

Conditions:
Hereditary cancer-predisposing syndrome. Also called: Neoplastic Syndromes, Hereditary; Tumor predisposition; Hereditary neoplastic syndrome; Hereditary Cancer Syndrome. Identifiers: Orphanet 140162, MedGen C0027672, MeSH D009386, MONDO:0015356.
Gorlin syndrome. Also called: Basal cell nevus syndrome; Nevoid Basal Cell Carcinoma Syndrome. Identifiers: Orphanet 377, MedGen C0004779, MONDO:0007187.

Allele frequency attached by ClinVar (database versions not stated): gnomAD exomes 0.00001.
gnomAD v4.1: 8 of 1,613,806 alleles (0.0005%); highest among the groups gnomAD compares: Non-Finnish European, 0.00059%; no homozygotes.

Submissions (2):

Labcorp Genetics (formerly Invitae), Labcorp
Classification: Uncertain significance for Gorlin syndrome. Last evaluated: 2025-07-10. Review status: criteria provided, single submitter. Criteria: Invitae Variant Classification Sherloc (09022015). Collection method: clinical testing. Allele origin: germline.
Comment: This sequence change replaces arginine, which is basic and polar, with threonine, which is neutral and polar, at codon 960 of the PTCH1 protein (p.Arg960Thr). This variant is not present in population databases (gnomAD no frequency). This variant has not been reported in the literature in individuals affected with PTCH1-related conditions. ClinVar contains an entry for this variant (Variation ID: 1797139). Invitae Evidence Modeling of protein sequence and biophysical properties (such as structural, functional, and spatial information, amino acid conservation, physicochemical variation, residue mobility, and thermodynamic stability) indicates that this missense variant is not expected to disrupt PTCH1 protein function with a negative predictive value of 95%. In summary, the available evidence is currently insufficient to determine the role of this variant in disease. Therefore, it has been classified as a Variant of Uncertain Significance.

Ambry Genetics
Classification: Uncertain significance for Hereditary cancer-predisposing syndrome. Last evaluated: 2024-09-03. Review status: criteria provided, single submitter. Criteria: Ambry Variant Classification Scheme 2023. Collection method: clinical testing. Allele origin: germline.
Comment: The p.R960T variant (also known as c.2879G>C), located in coding exon 17 of the PTCH1 gene, results from a G to C substitution at nucleotide position 2879. The arginine at codon 960 is replaced by threonine, an amino acid with similar properties. This amino acid position is conserved. In addition, the in silico prediction for this alteration is inconclusive. Since supporting evidence is limited at this time, the clinical significance of this alteration remains unclear.